The following is an entry in ClinVar:

ClinVar aggregate classification (germline): Uncertain significance. Review status: criteria provided, multiple submitters, no conflicts (2 of 4 stars). 3 submissions from 3 submitters: Uncertain significance (3). Last evaluated 2025-01-06.

Allele frequency attached by ClinVar (database versions not stated): gnomAD exomes below 0.00001 and 0.00001; gnomAD 0.00002; TOPMed 0.00002.
gnomAD v4.1: 12 of 1,554,616 alleles (0.00077%); highest among the groups gnomAD compares: African/African-American, 0.0014%; no homozygotes.

Submissions (3):

Labcorp Genetics (formerly Invitae), Labcorp
Classification: Uncertain significance. Last evaluated: 2025-01-06. Review status: criteria provided, single submitter. Criteria: Invitae Variant Classification Sherloc (09022015). Collection method: clinical testing. Allele origin: germline.
Comment: This sequence change replaces tyrosine, which is neutral and polar, with histidine, which is basic and polar, at codon 29 of the IMPG1 protein (p.Tyr29His). This variant is present in population databases (no rsID available, gnomAD no frequency). This variant has not been reported in the literature in individuals affected with IMPG1-related conditions. ClinVar contains an entry for this variant (Variation ID: 1361790). An algorithm developed to predict the effect of missense changes on protein structure and function outputs the following: PolyPhen-2: "Benign". The histidine amino acid residue is found in multiple mammalian species, which suggests that this missense change does not adversely affect protein function. In summary, the available evidence is currently insufficient to determine the role of this variant in disease. Therefore, it has been classified as a Variant of Uncertain Significance.

Ambry Genetics
Classification: Uncertain significance. Last evaluated: 2023-08-15. Review status: criteria provided, single submitter. Criteria: Ambry Variant Classification Scheme 2023. Collection method: clinical testing. Allele origin: germline.

Blueprint Genetics
Classification: Uncertain significance. Last evaluated: 2022-05-19. Review status: criteria provided, single submitter. Criteria: ACMG Guidelines, 2015. Collection method: clinical testing. Allele origin: germline.

NM_001563.4(IMPG1):c.85T>C (p.Tyr29His)

Gene: IMPG1 (interphotoreceptor matrix proteoglycan 1; minus strand). Cytogenetic location: 6q14.1.
Variant type: single nucleotide variant.
Coding change: c.85T>C on transcript NM_001563.4 (MANE Select); coding-DNA position 85, T replaced by C.
Protein change: p.Tyr29His; replaces tyrosine 29 with histidine.
Molecular consequence: missense variant. On other transcripts: intron variant (1).
Genome position (GRCh38, 1-based): chr6:76,042,109, A>G on the plus strand (T>C on the coding strand, the complement: IMPG1 is on the minus strand). VCF-style: chr6-76042109-A-G. GRCh37 (hg19) VCF-style: chr6-76751826-A-G.
Other names: c.85T>C (NM_001563.2); c.68-7322T>C (NM_001282368.2); short protein forms Y29H.
Identifiers: ClinVar variation 1361790 (VCV001361790.8), dbSNP rs1212834137, ClinGen allele CA364830006.